The following is an entry in ClinVar:

NM_000098.3(CPT2):c.1806T>C (p.Phe602=)

Gene: CPT2 (carnitine palmitoyltransferase 2; plus strand). Cytogenetic location: 1p32.3.
Variant type: single nucleotide variant.
Coding change: c.1806T>C on transcript NM_000098.3 (MANE Select); coding-DNA position 1806, T replaced by C.
Protein change: p.Phe602=; no amino-acid change (phenylalanine 602 retained).
Molecular consequence: synonymous variant.
Genome position (GRCh38, 1-based): chr1:53,213,424, T>C. VCF-style: chr1-53213424-T-C. GRCh37 (hg19) VCF-style: chr1-53679096-T-C.
Other names: p.Phe602=; c.1737T>C, p.Phe579= (NM_001330589.2).
Identifiers: ClinVar variation 460427 (VCV000460427.57), dbSNP rs147953465, ClinGen allele CA859285.

ClinVar aggregate classification (germline): Conflicting classifications of pathogenicity. Review status: criteria provided, conflicting classifications (1 of 4 stars). 12 submissions from 12 submitters: Uncertain significance (2); Benign (4); Likely benign (3). 3 of the submissions do not count toward it. Last evaluated 2026-09-01.

Conditions:
Carnitine palmitoyltransferase II deficiency. Also called: Carnitine Palmitoyltransferase 2 Deficiency. Identifiers: Orphanet 157, MedGen C0342790, MONDO:0015515.
Carnitine palmitoyl transferase II deficiency, neonatal form. Also called: CARNITINE PALMITOYLTRANSFERASE II DEFICIENCY, ANTENATAL; CARNITINE PALMITOYLTRANSFERASE II DEFICIENCY, NEONATAL; CPT II DEFICIENCY, LETHAL NEONATAL; CPT2 DEFICIENCY, LETHAL NEONATAL; Carnitine palmitoyltransferase II deficiency, lethal neonatal. Identifiers: Orphanet 228308, MedGen C1833518, MONDO:0012136, OMIM 608836.

Allele frequency attached by ClinVar (database versions not stated): 1000 Genomes Project 30x 0.00031; 1000 Genomes Project 0.00040; gnomAD 0.00218 and 0.00245; ExAC 0.00235; gnomAD exomes 0.00266 and 0.00316; TOPMed 0.00280; ESP Exome Variant Server 0.00331.

Submissions (12):

CeGaT Center for Human Genetics Tuebingen
Classification: Likely benign. Last evaluated: 2026-09-01. Review status: criteria provided, single submitter. Criteria: CeGaT Center For Human Genetics Tuebingen Variant Classification Criteria Version 2. Collection method: clinical testing. Allele origin: germline. Affected: yes. Observed: 13 variant alleles.
Comment: CPT2: BP4, BP7, BS2

Labcorp Genetics (formerly Invitae), Labcorp
Classification: Benign for Carnitine palmitoyltransferase II deficiency. Last evaluated: 2026-02-04. Review status: criteria provided, single submitter. Criteria: Invitae Variant Classification Sherloc (09022015). Collection method: clinical testing. Allele origin: germline.

Mayo Clinic Laboratories, Mayo Clinic
Classification: Benign. Last evaluated: 2025-03-03. Review status: criteria provided, single submitter. Criteria: ACMG Guidelines, 2015. Collection method: clinical testing. Allele origin: germline. Observed: 25 variant alleles.
Comment: BS1, BS2, BP4, BP7

Blueprint Genetics
Classification: Likely benign. Last evaluated: 2024-11-26. Review status: criteria provided, single submitter. Criteria: ACMG Guidelines, 2015. Collection method: clinical testing. Allele origin: germline.

Genome-Nilou Lab
Classification: Likely benign for Carnitine palmitoyl transferase II deficiency, neonatal form. Last evaluated: 2021-05-18. Review status: criteria provided, single submitter. Criteria: ACMG Guidelines, 2015. Collection method: clinical testing. Allele origin: germline. Affected: no.

Women's Health and Genetics/Laboratory Corporation of America, LabCorp
Classification: Benign. Last evaluated: 2020-10-28. Review status: criteria provided, single submitter. Criteria: LabCorp Variant Classification Summary - May 2015. Collection method: clinical testing. Allele origin: germline.

Illumina Laboratory Services, Illumina
Classification: Uncertain significance for Carnitine palmitoyltransferase II deficiency. Last evaluated: 2017-04-27. Review status: criteria provided, single submitter. Criteria: ICSL Variant Classification Criteria 13 December 2019. Collection method: clinical testing. Allele origin: germline.
Comment: This variant was observed as part of a predisposition screen in an ostensibly healthy population. A literature search was performed for the gene, cDNA change, and amino acid change (where applicable). Publications were found based on this search. However, the evidence from the literature, in combination with allele frequency data from public databases where available, was not sufficient to rule this variant in or out of causing disease. Therefore, this variant is classified as a variant of unknown significance.

Eurofins Ntd Llc (ga)
Classification: Uncertain significance. Last evaluated: 2016-09-28. Review status: criteria provided, single submitter. Criteria: EGL Classification Definitions 2015. Collection method: clinical testing. Allele origin: germline. Observed: 2 variant alleles, 2 heterozygotes.

GeneDx
Classification: Benign. Last evaluated: 2015-03-03. Review status: criteria provided, single submitter. Criteria: GeneDx Variant Classification Process June 2021. Collection method: clinical testing. Allele origin: germline. Affected: yes.

Natera, Inc.
Classification: Benign for Carnitine palmitoyltransferase II deficiency. Last evaluated: 2020-09-16. Review status: no assertion criteria provided. Collection method: clinical testing. Allele origin: germline. Not counted in ClinVar's aggregate classification.

Clinical Genetics DNA and cytogenetics Diagnostics Lab, Erasmus MC, Erasmus Medical Center
Classification: Likely benign. Review status: no assertion criteria provided. Collection method: clinical testing. Allele origin: germline. Affected: yes. Study: VKGL Data-share Consensus. Not counted in ClinVar's aggregate classification.

Genome Diagnostics Laboratory, University Medical Center Utrecht
Classification: Benign. Review status: no assertion criteria provided. Collection method: clinical testing. Allele origin: germline. Affected: yes. Study: VKGL Data-share Consensus. Not counted in ClinVar's aggregate classification.

Literature cited by the submitters: PubMed 27525900 (cited by Mayo Clinic Laboratories, Mayo Clinic and Illumina Laboratory Services, Illumina).